The following is an entry in ClinVar:

NM_014797.3(ZBTB24):c.544_554delinsTGAACAATT (p.Glu182_Gln185delinsTer)

Gene: ZBTB24 (zinc finger and BTB domain containing 24; minus strand). Cytogenetic location: 6q21.
Variant type: Indel.
Coding change: c.544_554delinsTGAACAATT on transcript NM_014797.3 (MANE Select); coding-DNA positions 544 to 554, GAAGAAATACA replaced by TGAACAATT.
Protein change: p.Glu182_Gln185delinsTer.
Molecular consequence: nonsense. On other transcripts: frameshift variant (1).
Genome position (GRCh38, 1-based): chr6:109,481,473-109,481,483, TGTATTTCTTC replaced by AATTGTTCA on the plus strand (GAAGAAATACA replaced by TGAACAATT on the coding strand, the reverse complement: ZBTB24 is on the minus strand). VCF-style: chr6-109481473-TGTATTTCTTC-AATTGTTCA. GRCh37 (hg19) VCF-style: chr6-109802676-TGTATTTCTTC-AATTGTTCA.
Other names: c.544_554delinsTGAACAATT, p.Glu182_Gln185delinsTer (NM_001164313.2); c.544_554delGAAGAAATACAinsTGAACAATT, p.Glu182Terfs (NM_014797.2).
Identifiers: ClinVar variation 5000350 (VCV005000350.1).
Genomic context (GRCh38, chr6:109,481,473, plus strand): 5'-CCACTGTCTCCTTTAACCACAAAGTTTTGTCTATTCTGAACTGAATTGTTCACTCTTAAC[TGTATTTCTTC>AATTGTTCA]CTCTGCAGCCAGTTCTGATTTCTCCTCCTGCAATGTATTGACTTTTTTTGGTCTTCCCCG-3'

ClinVar aggregate classification (germline): Likely pathogenic (1 of 4 stars; one submission).

Conditions:
ZBTB24-related disorder. Also called: ZBTB24-related condition.

Submission:

PreventionGenetics, part of Exact Sciences
Classification: Likely pathogenic for ZBTB24-related condition. Last evaluated: 2025-07-18. Review status: criteria provided, single submitter. Criteria: ACMG Guidelines, 2015. Collection method: clinical testing. Allele origin: germline.
Comment: The ZBTB24 c.544_554delinsTGAACAATT variant is predicted to result in premature protein termination (p.Glu182*). To our knowledge, this variant has not been reported in the literature or in a large population database (gnomAD), indicating this variant is rare. Nonsense variants in ZBTB24 are expected to be pathogenic. This variant is interpreted as likely pathogenic.